The following is an entry in ClinVar:

ClinVar aggregate classification (germline): Uncertain significance (1 of 4 stars; one submission).

Submission:

GeneDx
Classification: Uncertain significance. Last evaluated: 2024-08-30. Review status: criteria provided, single submitter. Criteria: GeneDx Variant Classification Process June 2021. Collection method: clinical testing. Allele origin: germline. Affected: yes.
Comment: Not observed at significant frequency in large population cohorts (gnomAD); In silico analysis indicates that this missense variant does not alter protein structure/function; Has not been previously published as pathogenic or benign to our knowledge

NM_001111.5(ADAR):c.638C>G (p.Pro213Arg)

Gene: ADAR (adenosine deaminase RNA specific; minus strand). Cytogenetic location: 1q21.3.
Variant type: single nucleotide variant.
Coding change: c.638C>G on transcript NM_001111.5 (MANE Select); coding-DNA position 638, C replaced by G.
Protein change: p.Pro213Arg; replaces proline 213 with arginine.
Molecular consequence: missense variant. On other transcripts: 5 prime UTR variant (6).
Genome position (GRCh38, 1-based): chr1:154,602,004, G>C on the plus strand (C>G on the coding strand, the complement: ADAR is on the minus strand). VCF-style: chr1-154602004-G-C. GRCh37 (hg19) VCF-style: chr1-154574480-G-C.
Other names: c.-248C>G (NM_001025107.3, NM_001193495.2, NM_001365046.1 and 3 more transcripts); c.665C>G, p.Pro222Arg (NM_001365045.1); c.638C>G, p.Pro213Arg (NM_015840.4, NM_015841.4); short protein forms P213R, P222R.
Identifiers: ClinVar variation 3766407 (VCV003766407.1).